The following is an entry in ClinVar:

NM_000535.7(PMS2):c.1386C>T (p.Ile462=)

Gene: PMS2 (PMS1 homolog 2, mismatch repair system component; minus strand). Cytogenetic location: 7p22.1.
Variant type: single nucleotide variant.
Coding change: c.1386C>T on transcript NM_000535.7 (MANE Select); coding-DNA position 1386, C replaced by T.
Protein change: p.Ile462=; no amino-acid change (isoleucine 462 retained).
Molecular consequence: synonymous variant. On other transcripts: non-coding transcript variant (1).
Genome position (GRCh38, 1-based): chr7:5,987,379, G>A on the plus strand (C>T on the coding strand, the complement: PMS2 is on the minus strand). VCF-style: chr7-5987379-G-A. GRCh37 (hg19) VCF-style: chr7-6027010-G-A.
Other names: c.981C>T, p.Ile327= (NM_001322003.2, NM_001322004.2, NM_001322005.2 and 1 more transcripts); c.1230C>T, p.Ile410= (NM_001322006.2); c.1068C>T, p.Ile356= (NM_001322007.2, NM_001322008.2); c.825C>T, p.Ile275= (NM_001322010.2); c.453C>T, p.Ile151= (NM_001322011.2, NM_001322012.2); c.813C>T, p.Ile271= (NM_001322013.2); c.1386C>T, p.Ile462= (NM_001322014.2); c.1077C>T, p.Ile359= (NM_001322015.2).
Identifiers: ClinVar variation 187743 (VCV000187743.18), dbSNP rs750448069, ClinGen allele CA009612.

ClinVar aggregate classification (germline): Benign/Likely benign. Review status: criteria provided, multiple submitters, no conflicts (2 of 4 stars). 4 submissions from 4 submitters: Benign (1); Likely benign (3). Last evaluated 2026-01-05.

Conditions:
Hereditary nonpolyposis colorectal neoplasms. Identifiers: MedGen C0009405, MeSH D003123.
Hereditary cancer-predisposing syndrome. Also called: Neoplastic Syndromes, Hereditary; Tumor predisposition; Hereditary Cancer Syndrome; Hereditary neoplastic syndrome. Identifiers: Orphanet 140162, MedGen C0027672, MeSH D009386, MONDO:0015356.
Lynch syndrome 4 (LYNCH4). Also called: Colorectal cancer, hereditary nonpolyposis, type 4; Hereditary non-polyposis colorectal cancer, type 4. Identifiers: Orphanet 144, MedGen C1838333, MONDO:0013699, OMIM 614337. Disease mechanism: loss of function.

Allele frequency attached by ClinVar (database versions not stated): gnomAD exomes 0.00001; ExAC 0.00002.

Submissions (4):

Labcorp Genetics (formerly Invitae), Labcorp
Classification: Likely benign for Hereditary nonpolyposis colorectal neoplasms. Last evaluated: 2026-01-05. Review status: criteria provided, single submitter. Criteria: Invitae Variant Classification Sherloc (09022015). Collection method: clinical testing. Allele origin: germline.

Myriad Genetics, Inc.
Classification: Benign for Lynch syndrome 4. Last evaluated: 2025-01-30. Review status: criteria provided, single submitter. Criteria: Myriad Autosomal Dominant, Autosomal Recessive and X-Linked Classification Criteria (2023). Collection method: clinical testing. Allele origin: unknown.
Comment: This variant is considered benign. This variant is a silent/synonymous amino acid change and it is not expected to impact splicing.

Color Diagnostics, LLC DBA Color Health
Classification: Likely benign for Hereditary cancer-predisposing syndrome. Last evaluated: 2017-10-26. Review status: criteria provided, single submitter. Criteria: ACMG Guidelines, 2015. Collection method: clinical testing. Allele origin: germline.

Ambry Genetics
Classification: Likely benign for Hereditary cancer-predisposing syndrome. Last evaluated: 2015-01-06. Review status: criteria provided, single submitter. Criteria: Ambry Variant Classification Scheme 2023. Collection method: clinical testing. Allele origin: germline.